The following is an entry in ClinVar:

NM_000553.6(WRN):c.1168G>C (p.Ala390Pro)

Gene: WRN (WRN RecQ like helicase; plus strand). Cytogenetic location: 8p12.
Variant type: single nucleotide variant.
Coding change: c.1168G>C on transcript NM_000553.6 (MANE Select); coding-DNA position 1168, G replaced by C.
Protein change: p.Ala390Pro; replaces alanine 390 with proline.
Molecular consequence: missense variant.
Genome position (GRCh38, 1-based): chr8:31,081,195, G>C. VCF-style: chr8-31081195-G-C. GRCh37 (hg19) VCF-style: chr8-30938711-G-C.
Other names: short protein forms A390P.
Identifiers: ClinVar variation 528166 (VCV000528166.5), dbSNP rs1359786371, ClinGen allele CA370921067.

ClinVar aggregate classification (germline): Uncertain significance (1 of 4 stars; one submission).

Conditions:
Werner syndrome (WRN). Identifiers: Orphanet 902, MedGen C0043119, MONDO:0010196, OMIM 277700.

Allele frequency attached by ClinVar (database versions not stated): gnomAD 0.00001; TOPMed 0.00001.

Submission:

Labcorp Genetics (formerly Invitae), Labcorp
Classification: Uncertain significance for Werner syndrome. Last evaluated: 2024-04-29. Review status: criteria provided, single submitter. Criteria: Invitae Variant Classification Sherloc (09022015). Collection method: clinical testing. Allele origin: germline.
Comment: This sequence change replaces alanine, which is neutral and non-polar, with proline, which is neutral and non-polar, at codon 390 of the WRN protein (p.Ala390Pro). This variant is present in population databases (no rsID available, gnomAD 0.01%). This variant has not been reported in the literature in individuals affected with WRN-related conditions. ClinVar contains an entry for this variant (Variation ID: 528166). An algorithm developed to predict the effect of missense changes on protein structure and function (PolyPhen-2) suggests that this variant is likely to be tolerated. In summary, the available evidence is currently insufficient to determine the role of this variant in disease. Therefore, it has been classified as a Variant of Uncertain Significance.